The following is an entry in ClinVar:

ClinVar aggregate classification (germline): Conflicting classifications of pathogenicity. Review status: criteria provided, conflicting classifications (1 of 4 stars). 7 submissions from 7 submitters: Pathogenic (1); Likely pathogenic (3); Uncertain significance (2). 1 of the submissions does not count toward it. Last evaluated 2026-01-05.

Conditions:
Medium-chain acyl-coenzyme A dehydrogenase deficiency (ACADMD). Also called: Medium chain acyl-CoA dehydrogenase deficiency; MCAD Deficiency; MCADD; ACADM DEFICIENCY; CARNITINE DEFICIENCY SECONDARY TO MEDIUM-CHAIN ACYL-CoA DEHYDROGENASE DEFICIENCY; MCADH DEFICIENCY. Identifiers: Orphanet 42, MedGen C0220710, MONDO:0008721, OMIM 201450.
ACADM-related disorder. Also called: ACADM-related condition.

Submissions (7):

Natera, Inc.
Classification: Likely pathogenic for Medium Chain Acyl-CoA Dehydrogenase Deficiency. Last evaluated: 2026-01-05. Review status: criteria provided, single submitter. Criteria: Natera Variant Classification Schema (03/2026). Collection method: clinical testing. Allele origin: germline.
Comment: The c.1207A>G variant in ACADM is a missense variant predicted to cause substitution of threonine to alanine at amino acid 403. This variant is rare in the general population with a frequency below the threshold expected for the associated phenotype(s). This variant has been observed in one or more individuals affected with the associated recessive disease, as either homozygous or compound heterozygous with a second variant (PMID: 20434380). This variant has been identified in one or more affected individual with a phenotype highly consistent with the associated gene (PMID: 20434380). Computational prediction algorithms indicate this variant is likely to affect gene or protein function. Given the available evidence, this variant is classified as Likely Pathogenic.

Labcorp Genetics (formerly Invitae), Labcorp
Classification: Pathogenic for Medium-chain acyl-coenzyme A dehydrogenase deficiency. Last evaluated: 2025-12-14. Review status: criteria provided, single submitter. Criteria: Invitae Variant Classification Sherloc (09022015). Collection method: clinical testing. Allele origin: germline.
Comment: This sequence change replaces threonine, which is neutral and polar, with alanine, which is neutral and non-polar, at codon 403 of the ACADM protein (p.Thr403Ala). This variant is not present in population databases (gnomAD no frequency). This missense change has been observed in individual(s) with medium-chain acyl-coenzyme A dehydrogenase deficiency (PMID: 20434380; internal data). In at least one individual the data is consistent with being in trans (on the opposite chromosome) from a pathogenic variant. ClinVar contains an entry for this variant (Variation ID: 555100). Invitae Evidence Modeling of protein sequence and biophysical properties (such as structural, functional, and spatial information, amino acid conservation, physicochemical variation, residue mobility, and thermodynamic stability) has been performed for this missense variant. However, the output from this modeling did not meet the statistical confidence thresholds required to predict the impact of this variant on ACADM protein function. For these reasons, this variant has been classified as Pathogenic.

Women's Health and Genetics/Laboratory Corporation of America, LabCorp
Classification: Uncertain significance. Last evaluated: 2025-07-15. Review status: criteria provided, single submitter. Criteria: LabCorp Variant Classification Summary - May 2015. Collection method: clinical testing. Allele origin: germline.
Comment: Variant summary: ACADM c.1207A>G (p.Thr403Ala) results in a non-conservative amino acid change located in the Acyl-CoA dehydrogenase/oxidase, C-terminal domain (IPR009075) of the encoded protein sequence. Algorithms developed to predict the effect of missense changes on protein structure and function all suggest that this variant is likely to be disruptive. The variant was absent in 250330 control chromosomes. c.1207A>G has been reported in the literature in individuals affected with Medium Chain Acyl-CoA Dehydrogenase Deficiency (Smith_2010, Bentler_2016, internal data). These data indicate that the variant may be associated with disease. To our knowledge, no experimental evidence demonstrating an impact on protein function has been reported. The following publications have been ascertained in the context of this evaluation (PMID: 27477829, 20434380). ClinVar contains an entry for this variant (Variation ID: 555100). Based on the evidence outlined above, the variant was classified as VUS-possibly pathogenic.

Revvity Omics, Revvity
Classification: Uncertain significance for Medium-chain acyl-coenzyme A dehydrogenase deficiency. Last evaluated: 2025-05-30. Review status: criteria provided, single submitter. Criteria: ACMG Guidelines, 2015. Collection method: clinical testing. Allele origin: germline.

Baylor Genetics
Classification: Likely pathogenic for Medium-chain acyl-coenzyme A dehydrogenase deficiency. Last evaluated: 2023-12-19. Review status: criteria provided, single submitter. Criteria: ACMG Guidelines, 2015. Collection method: clinical testing. Allele origin: unknown.

Blueprint Genetics
Classification: Likely pathogenic for ACADM-related disorders. Last evaluated: 2021-09-09. Review status: criteria provided, single submitter. Criteria: ACMG Guidelines, 2015. Collection method: clinical testing. Allele origin: germline. Affected: yes. Observed: 3 variant alleles.

Counsyl
Classification: Likely pathogenic for Medium-chain acyl-coenzyme A dehydrogenase deficiency. Last evaluated: 2017-11-21. Review status: no assertion criteria provided. Collection method: clinical testing. Allele origin: unknown. Not counted in ClinVar's aggregate classification.

Literature cited by the submitters: PubMed 20434380 (cited by 4 submitters); PubMed 27477829 (cited by Women's Health and Genetics/Laboratory Corporation of America, LabCorp); PubMed 27308838 (cited by Counsyl).

NM_000016.6(ACADM):c.1207A>G (p.Thr403Ala)

Gene: ACADM (acyl-CoA dehydrogenase medium chain; plus strand). Cytogenetic location: 1p31.1.
Variant type: single nucleotide variant.
Coding change: c.1207A>G on transcript NM_000016.6 (MANE Select); coding-DNA position 1207, A replaced by G.
Protein change: p.Thr403Ala; replaces threonine 403 with alanine.
Molecular consequence: missense variant.
Genome position (GRCh38, 1-based): chr1:75,762,704, A>G. VCF-style: chr1-75762704-A-G. GRCh37 (hg19) VCF-style: chr1-76228389-A-G.
Other names: c.1219A>G, p.Thr407Ala (NM_001127328.3); c.1099A>G, p.Thr367Ala (NM_001286042.2); c.1306A>G, p.Thr436Ala (NM_001286043.2); c.640A>G, p.Thr214Ala (NM_001286044.2); short protein forms T403A, T214A, T407A, T367A, T436A.
Identifiers: ClinVar variation 555100 (VCV000555100.17), dbSNP rs1462472677, ClinGen allele CA340818411.